The following is an entry in ClinVar:

NM_016292.3(TRAP1):c.1165+5G>A

Gene: TRAP1 (TNF receptor associated protein 1; minus strand). Cytogenetic location: 16p13.3.
Variant type: single nucleotide variant.
Coding change: c.1165+5G>A on transcript NM_016292.3 (MANE Select); 5 bases into the intron after coding-DNA position 1165, G replaced by A.
Molecular consequence: intron variant.
Genome position (GRCh38, 1-based): chr16:3,672,695, C>T on the plus strand (G>A on the coding strand, the complement: TRAP1 is on the minus strand). VCF-style: chr16-3672695-C-T. GRCh37 (hg19) VCF-style: chr16-3722696-C-T.
Other names: c.1006+5G>A (NM_001272049.2); c.1165+5G>A (NM_016292.2).
Identifiers: ClinVar variation 2646128 (VCV002646128.29), dbSNP rs373016534, ClinGen allele CA7868274.

ClinVar aggregate classification (germline): Conflicting classifications of pathogenicity. Review status: criteria provided, conflicting classifications (1 of 4 stars). 3 submissions from 3 submitters: Uncertain significance (1); Likely benign (2). Last evaluated 2026-01-26.

Conditions:
TRAP1-related disorder. Also called: TRAP1-related condition.

Allele frequency attached by ClinVar (database versions not stated): ESP Exome Variant Server 0.00015; gnomAD 0.00025; TOPMed 0.00025; ExAC 0.00037.
gnomAD v4.1: 712 of 1,605,242 alleles (0.044%); highest among the groups gnomAD compares: Non-Finnish European, 0.056%; no homozygotes.

Submissions (4):

PreventionGenetics, part of Exact Sciences
Classification: Likely benign for TRAP1-related condition. Last evaluated: 2026-01-26. Review status: criteria provided, single submitter. Criteria: ACMG Guidelines, 2015. Collection method: clinical testing. Allele origin: germline.
Comment: This variant is classified as likely benign based on ACMG/AMP sequence variant interpretation guidelines (Richards et al. 2015 PMID: 25741868, with internal and published modifications).

Labcorp Genetics (formerly Invitae), Labcorp
Classification: Uncertain significance. Last evaluated: 2025-08-04. Review status: criteria provided, single submitter. Criteria: Invitae Variant Classification Sherloc (09022015). Collection method: clinical testing. Allele origin: germline.
Comment: This sequence change falls in intron 10 of the TRAP1 gene. It does not directly change the encoded amino acid sequence of the TRAP1 protein. It affects a nucleotide within the consensus splice site. This variant is present in population databases (rs373016534, gnomAD 0.05%). This variant has not been reported in the literature in individuals affected with TRAP1-related conditions. ClinVar contains an entry for this variant (Variation ID: 2646128). Variants that disrupt the consensus splice site are a relatively common cause of aberrant splicing (PMID: 17576681, 9536098). Algorithms developed to predict the effect of sequence changes on RNA splicing suggest that this variant is not likely to affect RNA splicing. In summary, the available evidence is currently insufficient to determine the role of this variant in disease. Therefore, it has been classified as a Variant of Uncertain Significance.

CeGaT Center for Human Genetics Tuebingen
Classification: Likely benign. Last evaluated: 2022-09-01. Review status: criteria provided, single submitter. Criteria: CeGaT Center For Human Genetics Tuebingen Variant Classification Criteria Version 2. Collection method: clinical testing. Allele origin: germline. Affected: yes. Observed: 1 variant allele.
Comment: TRAP1: BP4, BS2

Dr. Peter K. Rogan Lab, Western University
No classification provided (evidence only). Condition: Familial cancer of breast. Review status: no classification provided. Collection method: in vitro. Allele origin: not applicable. Functional consequence: skipped exon. Not counted in ClinVar's aggregate classification.

Literature cited by the submitters: PubMed 17576681 (cited by Labcorp Genetics (formerly Invitae), Labcorp); PubMed 9536098 (cited by Labcorp Genetics (formerly Invitae), Labcorp).